The following is an entry in ClinVar:

NM_024408.4(NOTCH2):c.3246A>G (p.Lys1082=)

Gene: NOTCH2 (notch receptor 2; minus strand). Cytogenetic location: 1p12.
Variant type: single nucleotide variant.
Coding change: c.3246A>G on transcript NM_024408.4 (MANE Select); coding-DNA position 3246, A replaced by G.
Protein change: p.Lys1082=; no amino-acid change (lysine 1082 retained).
Molecular consequence: synonymous variant.
Genome position (GRCh38, 1-based): chr1:119,937,948, T>C on the plus strand (A>G on the coding strand, the complement: NOTCH2 is on the minus strand). VCF-style: chr1-119937948-T-C. GRCh37 (hg19) VCF-style: chr1-120480571-T-C.
Other names: c.3246A>G, p.Lys1082= (NM_001200001.2); c.3246A>G (NM_024408.3).
Identifiers: ClinVar variation 1548482 (VCV001548482.10), dbSNP rs782319639, ClinGen allele CA1040113.

ClinVar aggregate classification (germline): Likely benign. Review status: criteria provided, single submitter (1 of 4 stars). 2 submissions from 2 submitters: Likely benign (1). 1 of the submissions does not count toward it. Last evaluated 2024-10-24.

Conditions:
NOTCH2-related disorder. Also called: NOTCH2-related condition.
Hajdu-Cheney syndrome (HJCYS). Also called: SERPENTINE FIBULA-POLYCYSTIC KIDNEY SYNDROME; ACROOSTEOLYSIS WITH OSTEOPOROSIS AND CHANGES IN SKULL AND MANDIBLE; Acroosteolysis dominant type. Identifiers: Orphanet 955, MedGen C0917715, MONDO:0007057, OMIM 102500.

Allele frequency attached by ClinVar (database versions not stated): ExAC 0.00001; gnomAD 0.00001; gnomAD exomes 0.00001; TOPMed 0.00002.
gnomAD v4.1: 5 of 1,614,034 alleles (0.00031%); highest among the groups gnomAD compares: Admixed American, 0.0017%; no homozygotes.

Submissions (2):

Labcorp Genetics (formerly Invitae), Labcorp
Classification: Likely benign for Hajdu-Cheney syndrome. Last evaluated: 2024-10-24. Review status: criteria provided, single submitter. Criteria: Invitae Variant Classification Sherloc (09022015). Collection method: clinical testing. Allele origin: germline.

PreventionGenetics, part of Exact Sciences
Classification: Likely benign for NOTCH2-related condition. Last evaluated: 2020-01-22. Review status: no assertion criteria provided. Collection method: clinical testing. Allele origin: germline. Not counted in ClinVar's aggregate classification.
Comment: This variant is classified as likely benign based on ACMG/AMP sequence variant interpretation guidelines (Richards et al. 2015 PMID: 25741868, with internal and published modifications).